The following is an entry in ClinVar:

ClinVar aggregate classification (germline): Uncertain significance (1 of 4 stars; one submission).

Conditions:
Familial hypocalciuric hypercalcemia (FHH). Also called: Familial benign hypercalcemia. Identifiers: Orphanet 405, MedGen C1809471, MONDO:0018458.
Autosomal dominant hypocalcemia 1 (HYPOC1). Also called: HYPOCALCEMIA, FAMILIAL. Identifiers: MedGen C3715128, MONDO:0011013, OMIM 601198.

Submission:

Labcorp Genetics (formerly Invitae), Labcorp
Classification: Uncertain significance for Familial hypocalciuric hypercalcemia; Autosomal dominant hypocalcemia 1. Last evaluated: 2021-07-22. Review status: criteria provided, single submitter. Criteria: Invitae Variant Classification Sherloc (09022015). Collection method: clinical testing. Allele origin: germline.
Comment: In summary, the available evidence is currently insufficient to determine the role of this variant in disease. Therefore, it has been classified as a Variant of Uncertain Significance. Algorithms developed to predict the effect of missense changes on protein structure and function (SIFT, PolyPhen-2, Align-GVGD) all suggest that this variant is likely to be disruptive. This variant has not been reported in the literature in individuals affected with CASR-related conditions. This variant is not present in population databases (ExAC no frequency). This sequence change replaces isoleucine with threonine at codon 318 of the CASR protein (p.Ile318Thr). The isoleucine residue is highly conserved and there is a moderate physicochemical difference between isoleucine and threonine.

NM_000388.4(CASR):c.953T>C (p.Ile318Thr)

Gene: CASR (calcium sensing receptor; plus strand). Cytogenetic location: 3q21.1.
Variant type: single nucleotide variant.
Coding change: c.953T>C on transcript NM_000388.4 (MANE Select); coding-DNA position 953, T replaced by C.
Protein change: p.Ile318Thr; replaces isoleucine 318 with threonine.
Molecular consequence: missense variant.
Genome position (GRCh38, 1-based): chr3:122,261,988, T>C. VCF-style: chr3-122261988-T-C. GRCh37 (hg19) VCF-style: chr3-121980835-T-C.
Other names: c.953T>C, p.Ile318Thr (NM_001178065.2); short protein forms I318T.
Identifiers: ClinVar variation 1491542 (VCV001491542.8), dbSNP rs2107632605, ClinGen allele CA354151751.